The following is an entry in ClinVar:

ClinVar aggregate classification (germline): Benign (1 of 4 stars; one submission).

Conditions:
Autoimmune lymphoproliferative syndrome type 2A (ALPS2A). Also called: CASP10-Related Autoimmune Lymphoproliferative Syndrome; AUTOIMMUNE LYMPHOPROLIFERATIVE SYNDROME, TYPE IIA; Autoimmune lymphoproliferative syndrome type 2. Identifiers: Orphanet 3261, MedGen C1858968, MONDO:0011383, OMIM 603909.

Allele frequency attached by ClinVar (database versions not stated): gnomAD exomes 0.00085; gnomAD 0.00247 and 0.00288; TOPMed 0.00382; 1000 Genomes Project 30x 0.00843; 1000 Genomes Project 0.00938.
gnomAD v4.1: 1,224 of 985,384 alleles (0.12%); highest among the groups gnomAD compares: East Asian, 5.5%; 18 homozygotes.

Submission:

Illumina Laboratory Services, Illumina
Classification: Benign for Autoimmune lymphoproliferative syndrome type 2A. Last evaluated: 2018-01-13. Review status: criteria provided, single submitter. Criteria: ICSL Variant Classification Criteria 13 December 2019. Collection method: clinical testing. Allele origin: germline.
Comment: This variant was observed in the ICSL laboratory as part of a predisposition screen in an ostensibly healthy population. It had not been previously curated by ICSL or reported in the Human Gene Mutation Database (HGMD: prior to June 1st, 2018), and was therefore a candidate for classification through an automated scoring system. Utilizing variant allele frequency, disease prevalence and penetrance estimates, and inheritance mode, an automated score was calculated to assess if this variant is too frequent to cause the disease. Based on the score and internal cut-off values, a variant classified as benign is not then subjected to further curation. The score for this variant resulted in a classification of benign for this disease.

NM_032977.4(CASP10):c.*3071G>A

Gene: CASP10 (caspase 10; plus strand). Cytogenetic location: 2q33.1.
Variant type: single nucleotide variant.
Coding change: c.*3071G>A on transcript NM_032977.4 (MANE Select); 3071 bases downstream of the stop codon, G replaced by A.
Molecular consequence: 3 prime UTR variant. On other transcripts: intron variant (2).
Genome position (GRCh38, 1-based): chr2:201,220,812, G>A. VCF-style: chr2-201220812-G-A. GRCh37 (hg19) VCF-style: chr2-202085535-G-A.
Other names: c.*3071G>A (NM_001206524.2, NM_001230.5); c.*3726G>A (NM_032976.4); c.1416-8121G>A (NM_032974.5); c.1287-8121G>A (NM_001206542.2).
Identifiers: ClinVar variation 333489 (VCV000333489.5), dbSNP rs41339144, ClinGen allele CA10613492.